The following is an entry in ClinVar:

NM_001258392.3(CLPB):c.730G>C (p.Val244Leu)

Gene: CLPB (ClpB family mitochondrial disaggregase; minus strand). Cytogenetic location: 11q13.4.
Variant type: single nucleotide variant.
Coding change: c.730G>C on transcript NM_001258392.3 (MANE Select); coding-DNA position 730, G replaced by C.
Protein change: p.Val244Leu; replaces valine 244 with leucine.
Molecular consequence: missense variant.
Genome position (GRCh38, 1-based): chr11:72,358,925, C>G on the plus strand (G>C on the coding strand, the complement: CLPB is on the minus strand). VCF-style: chr11-72358925-C-G. GRCh37 (hg19) VCF-style: chr11-72069969-C-G.
Other names: c.643G>C, p.Val215Leu (NM_001258393.3); c.685G>C, p.Val229Leu (NM_001258394.3); c.820G>C, p.Val274Leu (NM_030813.6); short protein forms V215L, V229L, V244L, V274L.
Identifiers: ClinVar variation 1052181 (VCV001052181.9), dbSNP rs139268876, ClinGen allele CA6171419.
Genomic context (GRCh38, chr11:72,358,925, plus strand): 5'-CACCTCTGCTCTCACCTCCATCAAGCAGCTCCTTGACAGTGCGGTAGTCATCAGCAAGAA[C>G]AGCATAGTGCAAGGCCGTGCAGCCCTTGAAACTGGCGCGGTTGTTCAGCCTGTTGTTGAA-3'
Protein context (NP_001245321.1, residues 234-254): FKGCTALHYA[Val244Leu]LADDYRTVKE

ClinVar aggregate classification (germline): Uncertain significance (1 of 4 stars; one submission).

Conditions:
3-methylglutaconic aciduria, type VIIB (MGCA7B). Also called: 3-methylglutaconic aciduria, type VII, with cataracts, neurologic involvement and neutropenia; 3-methylglutaconic aciduria with cataracts, neurologic involvement and neutropenia; CLPB Deficiency. Identifiers: Orphanet 445038, MedGen C5676893, MONDO:0014561, OMIM 616271.

Allele frequency attached by ClinVar (database versions not stated): gnomAD exomes 0.00002; ESP Exome Variant Server 0.00008; ExAC 0.00002; gnomAD 0.00002.

Submission:

Labcorp Genetics (formerly Invitae), Labcorp
Classification: Uncertain significance for 3-methylglutaconic aciduria, type VIIB. Last evaluated: 2022-08-23. Review status: criteria provided, single submitter. Criteria: Invitae Variant Classification Sherloc (09022015). Collection method: clinical testing. Allele origin: germline.
Comment: This sequence change replaces valine, which is neutral and non-polar, with leucine, which is neutral and non-polar, at codon 274 of the CLPB protein (p.Val274Leu). This variant is present in population databases (rs139268876, gnomAD 0.01%). This variant has not been reported in the literature in individuals affected with CLPB-related conditions. ClinVar contains an entry for this variant (Variation ID: 1052181). Algorithms developed to predict the effect of missense changes on protein structure and function are either unavailable or do not agree on the potential impact of this missense change (SIFT: "Tolerated"; PolyPhen-2: "Possibly Damaging"; Align-GVGD: "Class C0"). In summary, the available evidence is currently insufficient to determine the role of this variant in disease. Therefore, it has been classified as a Variant of Uncertain Significance.